The following is an entry in ClinVar:

ClinVar aggregate classification (germline): Uncertain significance (1 of 4 stars; one submission).

Allele frequency attached by ClinVar (database versions not stated): gnomAD exomes below 0.00001; TOPMed 0.00001.
gnomAD v4.1: 2 of 1,498,824 alleles (0.00013%); highest among the groups gnomAD compares: Non-Finnish European, 0.000089%; no homozygotes.

Submission:

Labcorp Genetics (formerly Invitae), Labcorp
Classification: Uncertain significance. Last evaluated: 2022-04-24. Review status: criteria provided, single submitter. Criteria: Invitae Variant Classification Sherloc (09022015). Collection method: clinical testing. Allele origin: germline.
Comment: Algorithms developed to predict the effect of missense changes on protein structure and function are either unavailable or do not agree on the potential impact of this missense change (SIFT: "Deleterious"; PolyPhen-2: "Benign"; Align-GVGD: "Class C0"). In summary, the available evidence is currently insufficient to determine the role of this variant in disease. Therefore, it has been classified as a Variant of Uncertain Significance. This sequence change replaces aspartic acid, which is acidic and polar, with valine, which is neutral and non-polar, at codon 53 of the DEAF1 protein (p.Asp53Val). This variant is not present in population databases (gnomAD no frequency). This variant has not been reported in the literature in individuals affected with DEAF1-related conditions.

NM_021008.4(DEAF1):c.158A>T (p.Asp53Val)

Gene: DEAF1 (DEAF1 transcription factor; minus strand). Cytogenetic location: 11p15.5.
Variant type: single nucleotide variant.
Coding change: c.158A>T on transcript NM_021008.4 (MANE Select); coding-DNA position 158, A replaced by T.
Protein change: p.Asp53Val; replaces aspartic acid 53 with valine.
Molecular consequence: missense variant. On other transcripts: intron variant (1).
Genome position (GRCh38, 1-based): chr11:694,890, T>A on the plus strand (A>T on the coding strand, the complement: DEAF1 is on the minus strand). VCF-style: chr11-694890-T-A. GRCh37 (hg19) VCF-style: chr11-694890-T-A.
Other names: c.158A>T, p.Asp53Val (NM_001293634.2); c.-437-3292A>T (NM_001367390.1); short protein forms D53V.
Identifiers: ClinVar variation 2127205 (VCV002127205.4), dbSNP rs1861041600, ClinGen allele CA378939660.